The following is an entry in ClinVar:

ClinVar aggregate classification (germline): Benign/Likely benign. Review status: criteria provided, multiple submitters, no conflicts (2 of 4 stars). 5 submissions from 5 submitters: Benign (2); Likely benign (3). Last evaluated 2025-06-23.

Conditions:
Ehlers-Danlos syndrome, classic type, 1 (EDSCL1). Also called: EHLERS-DANLOS SYNDROME, GRAVIS TYPE; EHLERS-DANLOS SYNDROME, SEVERE CLASSIC TYPE; Ehlers-Danlos Syndrome, Classic Type, COL5A1-Related; EDS I; Ehlers-Danlos syndrome, type 1. Identifiers: MedGen C0268335, MONDO:0019567, OMIM 130000.
Ehlers-Danlos syndrome, classic type (cEDS). Identifiers: Orphanet 287, MedGen C4225429, MONDO:0007522.
Familial thoracic aortic aneurysm and aortic dissection (TAAD). Also called: Thoracic aortic aneurysms and dissections. Identifiers: Orphanet 91387, MedGen C4707243, MONDO:0019625.

Allele frequency attached by ClinVar (database versions not stated): 1000 Genomes Project 0.00020; TOPMed 0.00005; gnomAD exomes 0.00006 and 0.00001; ExAC 0.00007; 1000 Genomes Project 30x 0.00016; gnomAD 0.00007.
gnomAD v4.1: 32 of 1,613,288 alleles (0.002%); highest among the groups gnomAD compares: East Asian, 0.058%; no homozygotes.

Submissions (5):

Labcorp Genetics (formerly Invitae), Labcorp
Classification: Benign for Ehlers-Danlos syndrome, classic type, 1. Last evaluated: 2025-06-23. Review status: criteria provided, single submitter. Criteria: Invitae Variant Classification Sherloc (09022015). Collection method: clinical testing. Allele origin: germline.

Women's Health and Genetics/Laboratory Corporation of America, LabCorp
Classification: Benign. Last evaluated: 2025-04-25. Review status: criteria provided, single submitter. Criteria: LabCorp Variant Classification Summary - May 2015. Collection method: clinical testing. Allele origin: germline.

Ambry Genetics
Classification: Likely benign for Familial thoracic aortic aneurysm and aortic dissection. Last evaluated: 2025-01-31. Review status: criteria provided, single submitter. Criteria: Ambry Variant Classification Scheme 2023. Collection method: clinical testing. Allele origin: germline.

Illumina Laboratory Services, Illumina
Classification: Likely benign for Ehlers-Danlos syndrome, classic type, 1. Last evaluated: 2018-01-13. Review status: criteria provided, single submitter. Criteria: ICSL Variant Classification Criteria 13 December 2019. Collection method: clinical testing. Allele origin: germline.
Comment: This variant was observed in the ICSL laboratory as part of a predisposition screen in an ostensibly healthy population. It had not been previously curated by ICSL or reported in the Human Gene Mutation Database (HGMD: prior to June 1st, 2018), and was therefore a candidate for classification through an automated scoring system. Utilizing variant allele frequency, disease prevalence and penetrance estimates, and inheritance mode, an automated score was calculated to assess if this variant is too frequent to cause the disease. Based on the score and internal cut-off values, a variant classified as likely benign is not then subjected to further curation. The score for this variant resulted in a classification of likely benign for this disease.

GeneDx
Classification: Likely benign. Last evaluated: 2017-09-06. Review status: criteria provided, single submitter. Criteria: GeneDx Variant Classification (06012015). Collection method: clinical testing. Allele origin: germline. Affected: yes.
Comment: This variant is considered likely benign or benign based on one or more of the following criteria: it is a conservative change, it occurs at a poorly conserved position in the protein, it is predicted to be benign by multiple in silico algorithms, and/or has population frequency not consistent with disease.

NM_000093.5(COL5A1):c.3573A>G (p.Pro1191=)

Gene: COL5A1 (collagen type V alpha 1 chain; plus strand). Cytogenetic location: 9q34.3.
Variant type: single nucleotide variant.
Coding change: c.3573A>G on transcript NM_000093.5 (MANE Select); coding-DNA position 3573, A replaced by G.
Protein change: p.Pro1191=; no amino-acid change (proline 1191 retained).
Molecular consequence: synonymous variant.
Genome position (GRCh38, 1-based): chr9:134,811,383, A>G. VCF-style: chr9-134811383-A-G. GRCh37 (hg19) VCF-style: chr9-137703229-A-G.
Other names: c.3573A>G, p.Pro1191= (NM_001278074.1).
Identifiers: ClinVar variation 365721 (VCV000365721.18), dbSNP rs564398230, ClinGen allele CA5319937.